The following is an entry in ClinVar:

ClinVar aggregate classification (germline): Pathogenic (1 of 4 stars; one submission).

Conditions:
Capillary malformation-arteriovenous malformation syndrome. Also called: Capillary malformation-arteriovenous malformation. Identifiers: Orphanet 137667, MedGen C1842180, MONDO:0012016.

Submission:

Labcorp Genetics (formerly Invitae), Labcorp
Classification: Pathogenic for Capillary malformation-arteriovenous malformation syndrome. Last evaluated: 2024-08-06. Review status: criteria provided, single submitter. Criteria: Invitae Variant Classification Sherloc (09022015). Collection method: clinical testing. Allele origin: germline.
Comment: This sequence change creates a premature translational stop signal (p.His183Profs*5) in the RASA1 gene. It is expected to result in an absent or disrupted protein product. Loss-of-function variants in RASA1 are known to be pathogenic (PMID: 24038909). This variant is not present in population databases (gnomAD no frequency). This variant has not been reported in the literature in individuals affected with RASA1-related conditions. For these reasons, this variant has been classified as Pathogenic.

Literature cited by the submitters: PubMed 24038909.

NM_002890.3(RASA1):c.547dup (p.His183fs)

Genes: CCNH (cyclin H; minus strand), RASA1 (RAS p21 protein activator 1; plus strand). Cytogenetic location: 5q14.3.
Variant type: Duplication.
Coding change: c.547dup on transcript NM_002890.3 (MANE Select); coding-DNA position 547, one base duplicated (C; older notation c.547dupC).
Protein change: p.His183fs; shifts the reading frame from histidine 183.
Molecular consequence: frameshift variant. On other transcripts: intron variant (1).
Genome position (GRCh38, 1-based): chr5:87,331,355, C duplicated. VCF-style (leftmost placement, unchanged base first): chr5-87331354-T-TC. GRCh37 (hg19) VCF-style: chr5-86627171-T-TC.
Other names: c.16dup, p.His6fs (NM_022650.3); c.934-18560dup (NM_001364075.2); short protein forms H183fs, H6fs.
Identifiers: ClinVar variation 3659114 (VCV003659114.2).